The following is an entry in ClinVar:

NM_001267550.2(TTN):c.40057G>A (p.Val13353Met)

Gene: TTN (titin; minus strand). Cytogenetic location: 2q31.2.
Variant type: single nucleotide variant.
Coding change: c.40057G>A on transcript NM_001267550.2 (MANE Select); coding-DNA position 40057, G replaced by A.
Protein change: p.Val13353Met; replaces valine 13353 with methionine.
Molecular consequence: missense variant. On other transcripts: intron variant (5).
Genome position (GRCh38, 1-based): chr2:178,649,248, C>T on the plus strand (G>A on the coding strand, the complement: TTN is on the minus strand). VCF-style: chr2-178649248-C-T. GRCh37 (hg19) VCF-style: chr2-179513975-C-T.
Other names: c.13283-6931G>A (NM_003319.4); c.13859-6931G>A (NM_133437.4); c.13658-6931G>A (NM_133432.3); c.32593+569G>A (NM_133378.4); c.35374+569G>A (NM_001256850.1); short protein forms V13353M.
Identifiers: ClinVar variation 1467088 (VCV001467088.11), dbSNP rs1422486813, ClinGen allele CA349445574.

ClinVar aggregate classification (germline): Uncertain significance (1 of 4 stars; one submission).

Conditions:
Dilated cardiomyopathy 1G (CMD1G). Identifiers: Orphanet 154, MedGen C1858763, MONDO:0011400, OMIM 604145.
Autosomal recessive limb-girdle muscular dystrophy type 2J (LGMDR10). Also called: Limb-girdle muscular dystrophy, type 2J; MUSCULAR DYSTROPHY, LIMB-GIRDLE, AUTOSOMAL RECESSIVE 10. Identifiers: Orphanet 140922, MedGen C1837342, MONDO:0012127, OMIM 608807.

Submission:

Labcorp Genetics (formerly Invitae), Labcorp
Classification: Uncertain significance for Dilated cardiomyopathy 1G; Autosomal recessive limb-girdle muscular dystrophy type 2J. Last evaluated: 2024-07-30. Review status: criteria provided, single submitter. Criteria: Invitae Variant Classification Sherloc (09022015). Collection method: clinical testing. Allele origin: germline.
Comment: This sequence change replaces valine, which is neutral and non-polar, with methionine, which is neutral and non-polar, at codon 13353 of the TTN protein (p.Val13353Met). This variant also falls at the last nucleotide of exon 213, which is part of the consensus splice site for this exon. This variant is not present in population databases (gnomAD no frequency). This variant has not been reported in the literature in individuals affected with TTN-related conditions. ClinVar contains an entry for this variant (Variation ID: 1467088). Experimental studies and prediction algorithms are not available or were not evaluated, and the functional significance of this variant is currently unknown. Variants that disrupt the consensus splice site are a relatively common cause of aberrant splicing (PMID: 17576681, 9536098). Algorithms developed to predict the effect of sequence changes on RNA splicing suggest that this variant may disrupt the consensus splice site. This variant is located in the I band of TTN (PMID: 25589632). Non-truncating variants in this region may be clinically relevant, but have not been definitively shown to cause cardiomyopathy or neuromuscular disease (PMID: 27493940, 32778822). In summary, the available evidence is currently insufficient to determine the role of this variant in disease. Therefore, it has been classified as a Variant of Uncertain Significance.

Literature cited by the submitters: PubMed 17576681; PubMed 9536098; PubMed 25589632; PubMed 27493940; PubMed 32778822.